The following is an entry in ClinVar:

ClinVar aggregate classification (germline): Likely benign. Review status: criteria provided, multiple submitters, no conflicts (2 of 4 stars). 5 submissions from 5 submitters: Likely benign (5). Last evaluated 2026-07-01.

Conditions:
Renal cell carcinoma. Identifiers: Orphanet 217071, MedGen C0007134, MeSH D002292, MONDO:0005086, HP:0005584.
Papillary renal cell carcinoma type 1 (RCCP1). Also called: Renal adenocarcinoma; Renal cell carcinoma 1; Renal cell carcinoma, somatic; RENAL CELL CARCINOMA, PAPILLARY, 1, SOMATIC. Identifiers: Orphanet 47044, MedGen C1336839, OMIM 605074, HP:0011797.

Submissions (5):

CeGaT Center for Human Genetics Tuebingen
Classification: Likely benign. Last evaluated: 2026-07-01. Review status: criteria provided, single submitter. Criteria: CeGaT Center For Human Genetics Tuebingen Variant Classification Criteria Version 2. Collection method: clinical testing. Allele origin: germline. Affected: yes. Observed: 1 variant allele.
Comment: MET: BP4, BS1

Labcorp Genetics (formerly Invitae), Labcorp
Classification: Likely benign for Renal cell carcinoma. Last evaluated: 2026-01-20. Review status: criteria provided, single submitter. Criteria: Invitae Variant Classification Sherloc (09022015). Collection method: clinical testing. Allele origin: germline.

Myriad Genetics, Inc.
Classification: Likely benign for Papillary renal cell carcinoma type 1. Last evaluated: 2024-11-12. Review status: criteria provided, single submitter. Criteria: Myriad Autosomal Dominant, Autosomal Recessive and X-Linked Classification Criteria (2023). Collection method: clinical testing. Allele origin: unknown.
Comment: This variant is considered likely benign. This variant is intronic and is not expected to impact mRNA splicing.

Blueprint Genetics
Classification: Likely benign. Last evaluated: 2024-01-24. Review status: criteria provided, single submitter. Criteria: ACMG Guidelines, 2015. Collection method: clinical testing. Allele origin: germline.

GeneDx
Classification: Likely benign. Last evaluated: 2020-01-30. Review status: criteria provided, single submitter. Criteria: GeneDx Variant Classification Process June 2021. Collection method: clinical testing. Allele origin: germline. Affected: yes.

NM_000245.4(MET):c.2584-8C>T

Gene: MET (MET proto-oncogene, receptor tyrosine kinase; plus strand). Cytogenetic location: 7q31.2.
Variant type: single nucleotide variant.
Coding change: c.2584-8C>T on transcript NM_000245.4 (MANE Select); 8 bases into the intron before coding-DNA position 2584, C replaced by T.
Molecular consequence: intron variant.
Genome position (GRCh38, 1-based): chr7:116,769,637, C>T. VCF-style: chr7-116769637-C-T. GRCh37 (hg19) VCF-style: chr7-116409691-C-T.
Other names: c.2638-8C>T (NM_001127500.3); c.1294-8C>T (NM_001324402.2); c.2584-8C>T (NM_001324401.3).
Identifiers: ClinVar variation 517049 (VCV000517049.18), dbSNP rs370833501, ClinGen allele CA4448539.